The following is an entry in ClinVar:

ClinVar aggregate classification (germline): Pathogenic (1 of 4 stars; one submission).

Submission:

Labcorp Genetics (formerly Invitae), Labcorp
Classification: Pathogenic. Last evaluated: 2022-05-22. Review status: criteria provided, single submitter. Criteria: Invitae Variant Classification Sherloc (09022015). Collection method: clinical testing. Allele origin: germline.
Comment: For these reasons, this variant has been classified as Pathogenic. This variant has not been reported in the literature in individuals affected with MYO18B-related conditions. This variant is not present in population databases (gnomAD no frequency). This sequence change creates a premature translational stop signal (p.Tyr1765*) in the MYO18B gene. It is expected to result in an absent or disrupted protein product. Loss-of-function variants in MYO18B are known to be pathogenic (PMID: 25748484, 32184166, 32637634).

Literature cited by the submitters: PubMed 25748484; PubMed 32184166; PubMed 32637634.

NM_032608.7(MYO18B):c.5295T>G (p.Tyr1765Ter)

Gene: MYO18B (myosin XVIIIB; plus strand). Cytogenetic location: 22q12.1.
Variant type: single nucleotide variant.
Coding change: c.5295T>G on transcript NM_032608.7 (MANE Select); coding-DNA position 5295, T replaced by G.
Protein change: p.Tyr1765Ter; replaces tyrosine 1765 with a stop codon.
Molecular consequence: nonsense.
Genome position (GRCh38, 1-based): chr22:25,910,981, T>G. VCF-style: chr22-25910981-T-G. GRCh37 (hg19) VCF-style: chr22-26306948-T-G.
Other names: c.5298T>G, p.Tyr1766Ter (NM_001318245.2); short protein forms Y1765*, Y1766*.
Identifiers: ClinVar variation 1994675 (VCV001994675.4), dbSNP rs2517904146, ClinGen allele CA411003120.